The following is an entry in ClinVar:

NM_000053.4(ATP7B):c.2763T>C (p.Ser921=)

Gene: ATP7B (ATPase copper transporting beta; minus strand). Cytogenetic location: 13q14.3.
Variant type: single nucleotide variant.
Coding change: c.2763T>C on transcript NM_000053.4 (MANE Select); coding-DNA position 2763, T replaced by C.
Protein change: p.Ser921=; no amino-acid change (serine 921 retained).
Molecular consequence: synonymous variant. On other transcripts: intron variant (1).
Genome position (GRCh38, 1-based): chr13:51,949,764, A>G on the plus strand (T>C on the coding strand, the complement: ATP7B is on the minus strand). VCF-style: chr13-51949764-A-G. GRCh37 (hg19) VCF-style: chr13-52523900-A-G.
Other names: p.Ser921=; c.2430T>C, p.Ser810= (NM_001243182.2); c.2529T>C, p.Ser843= (NM_001330578.2); c.2511T>C, p.Ser837= (NM_001330579.2); c.2244+243T>C (NM_001005918.3).
Identifiers: ClinVar variation 882965 (VCV000882965.17), dbSNP rs1052485948, ClinGen allele CA250084891.

ClinVar aggregate classification (germline): Conflicting classifications of pathogenicity. Review status: criteria provided, conflicting classifications (1 of 4 stars). 6 submissions from 6 submitters: Uncertain significance (1); Likely benign (5). Last evaluated 2025-10-02.

Conditions:
Wilson disease (WND). Also called: Wilson's disease. Identifiers: Orphanet 905, MedGen C0019202, MONDO:0010200, OMIM 277900. Disease mechanism: loss of function.

Allele frequency attached by ClinVar (database versions not stated): gnomAD 0.00003 and 0.00004; TOPMed 0.00002.
gnomAD v4.1: 39 of 1,613,996 alleles (0.0024%); highest among the groups gnomAD compares: Non-Finnish European, 0.0032%; no homozygotes.

Submissions (6):

Labcorp Genetics (formerly Invitae), Labcorp
Classification: Likely benign for Wilson disease. Last evaluated: 2025-10-02. Review status: criteria provided, single submitter. Criteria: Invitae Variant Classification Sherloc (09022015). Collection method: clinical testing. Allele origin: germline.

Mayo Clinic Laboratories, Mayo Clinic
Classification: Likely benign. Last evaluated: 2024-12-19. Review status: criteria provided, single submitter. Criteria: ACMG Guidelines, 2015. Collection method: clinical testing. Allele origin: germline. Observed: 1 variant allele.
Comment: BP4, BP7

All of Us Research Program, National Institutes of Health
Classification: Likely benign for Wilson disease. Last evaluated: 2023-08-15. Review status: criteria provided, single submitter. Criteria: ACMG Guidelines, 2015. Collection method: clinical testing. Allele origin: germline. Inheritance: Autosomal recessive inheritance. Observed: 6 variant alleles, 6 heterozygotes.
Comment: This study involves interpretation of variants in research participants for the purpose of population health screening. Participant phenotype was not available at the time of variant classification. Additional details can be found in publication PMID: 35346344, PMCID: PMC8962531

Color Diagnostics, LLC DBA Color Health
Classification: Likely benign for Wilson disease. Last evaluated: 2022-04-22. Review status: criteria provided, single submitter. Criteria: ACMG Guidelines, 2015. Collection method: clinical testing. Allele origin: germline.

Genome-Nilou Lab
Classification: Likely benign for Wilson disease. Last evaluated: 2021-08-10. Review status: criteria provided, single submitter. Criteria: ACMG Guidelines, 2015. Collection method: clinical testing. Allele origin: germline. Affected: no.

Illumina Laboratory Services, Illumina
Classification: Uncertain significance for Wilson disease. Last evaluated: 2018-01-13. Review status: criteria provided, single submitter. Criteria: ICSL Variant Classification Criteria 13 December 2019. Collection method: clinical testing. Allele origin: germline.